The following is an entry in ClinVar:

ClinVar aggregate classification (germline): Pathogenic (1 of 4 stars; one submission).

Conditions:
Inborn genetic diseases. Identifiers: MedGen C0950123, MeSH D030342.

Submission:

Ambry Genetics
Classification: Pathogenic for Inborn genetic diseases. Last evaluated: 2025-02-24. Review status: criteria provided, single submitter. Criteria: Ambry Variant Classification Scheme 2023. Collection method: clinical testing. Allele origin: germline.
Comment: The c.641dupA (p.N214Kfs*5) alteration, located in exon 5 (coding exon 5) of the TNRC6B gene, consists of a duplication of A at position 641, causing a translational frameshift with a predicted alternate stop codon after 5 amino acids. This alteration is expected to result in loss of function by premature protein truncation or nonsense-mediated mRNA decay. This variant was not reported in population-based cohorts in the Genome Aggregation Database (gnomAD). Based on the available evidence, this alteration is classified as pathogenic.

NM_001162501.2(TNRC6B):c.641dup (p.Asn214fs)

Gene: TNRC6B (trinucleotide repeat containing adaptor 6B; plus strand). Cytogenetic location: 22q13.1.
Variant type: Duplication.
Coding change: c.641dup on transcript NM_001162501.2 (MANE Select); coding-DNA position 641, one base duplicated (A; older notation c.641dupA).
Protein change: p.Asn214fs; shifts the reading frame from asparagine 214.
Molecular consequence: frameshift variant. On other transcripts: intron variant (1).
Genome position (GRCh38, 1-based): chr22:40,264,871, A duplicated; the last of 4 consecutive A bases (chr22:40,264,868-40,264,871); duplicating any one gives the same sequence. VCF-style (leftmost placement, unchanged base first): chr22-40264867-G-GA. GRCh37 (hg19) VCF-style: chr22-40660871-G-GA.
Other names: c.641dup, p.Asn214fs (NM_015088.3); c.565+2698dup (NM_001024843.2); short protein forms N214fs.
Identifiers: ClinVar variation 3809203 (VCV003809203.1).